The following is an entry in ClinVar:

ClinVar aggregate classification (germline): Uncertain significance (1 of 4 stars; one submission).

gnomAD v4.1: 5 of 1,586,784 alleles (0.00032%); highest among the groups gnomAD compares: East Asian, 0.009%; no homozygotes.

Submission:

Ambry Genetics
Classification: Uncertain significance. Last evaluated: 2024-05-19. Review status: criteria provided, single submitter. Criteria: Ambry Variant Classification Scheme 2023. Collection method: clinical testing. Allele origin: germline.
Comment: The p.T182A variant (also known as c.544A>G), located in coding exon 3 of the MNDA gene, results from an A to G substitution at nucleotide position 544. The threonine at codon 182 is replaced by alanine, an amino acid with similar properties. This amino acid position is conserved. In addition, this alteration is predicted to be tolerated by in silico analysis. Based on the available evidence, the clinical significance of this variant remains unclear.

NM_002432.3(MNDA):c.544A>G (p.Thr182Ala)

Gene: MNDA (myeloid cell nuclear differentiation antigen; plus strand). Cytogenetic location: 1q23.1.
Variant type: single nucleotide variant.
Coding change: c.544A>G on transcript NM_002432.3 (MANE Select); coding-DNA position 544, A replaced by G.
Protein change: p.Thr182Ala; replaces threonine 182 with alanine.
Molecular consequence: missense variant.
Genome position (GRCh38, 1-based): chr1:158,844,096, A>G. VCF-style: chr1-158844096-A-G. GRCh37 (hg19) VCF-style: chr1-158813886-A-G.
Other names: short protein forms T182A.
Identifiers: ClinVar variation 3295426 (VCV003295426.1).